The following is an entry in ClinVar:

ClinVar aggregate classification (germline): Likely pathogenic (1 of 4 stars; one submission).

Submission:

GeneDx
Classification: Likely pathogenic. Last evaluated: 2026-03-19. Review status: criteria provided, single submitter. Criteria: GeneDx Variant Classification Process June 2021. Collection method: clinical testing. Allele origin: germline.
Comment: Frameshift variant predicted to result in protein truncation or nonsense mediated decay in a gene for which loss of function is a known mechanism of disease; Not observed at significant frequency in large population cohorts (gnomAD); Has not been previously published as pathogenic or benign to our knowledge

NM_001127178.3(PIGG):c.1727del (p.Gln576fs)

Gene: PIGG (phosphatidylinositol glycan anchor biosynthesis class G (EMM blood group); plus strand). Cytogenetic location: 4p16.3.
Variant type: Deletion.
Coding change: c.1727del on transcript NM_001127178.3 (MANE Select); coding-DNA position 1727, one base deleted (A; older notation c.1727delA).
Protein change: p.Gln576fs; shifts the reading frame from glutamine 576.
Molecular consequence: frameshift variant. On other transcripts: non-coding transcript variant (7).
Genome position (GRCh38, 1-based): chr4:523,571, A deleted. VCF-style (leftmost placement, unchanged base first): chr4-523570-CA-C. GRCh37 (hg19) VCF-style: chr4-517359-CA-C.
Other names: c.1460del, p.Gln487fs (NM_001289051.2, NM_001345986.2); c.1328del, p.Gln443fs (NM_001289052.2); c.1436del, p.Gln479fs (NM_001345987.2); c.698del, p.Gln233fs (NM_001345988.2); c.194del, p.Gln65fs (NM_001345990.2, NM_001345991.2); c.629del, p.Gln210fs (NM_001345994.2); c.1703del, p.Gln568fs (NM_017733.5); short protein forms Q210fs, Q233fs, Q443fs, Q479fs, Q487fs, Q568fs, Q576fs, Q65fs.
Identifiers: ClinVar variation 4976613 (VCV004976613.1).